The following is an entry in ClinVar:

NM_000419.5(ITGA2B):c.2841+1G>T

Gene: ITGA2B (integrin subunit alpha 2b; minus strand). Cytogenetic location: 17q21.31.
Variant type: single nucleotide variant.
Coding change: c.2841+1G>T on transcript NM_000419.5 (MANE Select); the canonical splice donor site of the intron after coding-DNA position 2841, G replaced by T.
Molecular consequence: splice donor variant.
Genome position (GRCh38, 1-based): chr17:44,374,997, C>A on the plus strand (G>T on the coding strand, the complement: ITGA2B is on the minus strand). VCF-style: chr17-44374997-C-A. GRCh37 (hg19) VCF-style: chr17-42452365-C-A.
Other names: NM_000419.5:c.2841+1G>T.
Identifiers: ClinVar variation 4857365 (VCV004857365.1).

ClinVar aggregate classification (germline): Likely pathogenic (3 of 4 stars; one submission).

Conditions:
Glanzmann thrombasthenia. Also called: Glanzmann's thrombasthenia; THROMBASTHENIA OF GLANZMANN AND NAEGELI; Thrombasthenia; PLATELET GLYCOPROTEIN IIb-IIIa DEFICIENCY. Identifiers: Orphanet 849, MedGen C0040015, MONDO:0100326.

gnomAD v4.1: 3 of 1,537,902 alleles (0.0002%); highest among the groups gnomAD compares: Non-Finnish European, 0.00026%; no homozygotes.

Submission:

ClinGen Platelet Disorders Variant Curation Expert Panel, ClinGen
Classification: Likely pathogenic for Glanzmann thrombasthenia. Last evaluated: 2026-06-04. Review status: reviewed by expert panel. Criteria: ClinGen Platelet ACMG Specifications v2-1. Collection method: curation. Allele origin: germline. Inheritance: Autosomal recessive inheritance.
Comment: The c.2841+1G>T variant in ITGA2B is located in a canonical splice site in intron 27 which preserves the reading frame and removes <10% of the protein (PVS1_Moderate). PM3_Supporting). The patient displayed mucocutaneous bleeding and impaired aggregation with all agonists except ristocetin, which is highly specific for Glanzmann thrombasthenia (PMID: 34552732;PP4_moderate). Additionally, αIIbβ3 surface expression was reduced to <29%, as measured by flow cytometry. The variant occurs at a very low allele frequency overall in gnomAD v4.1.1 with a MAF of 0.000002622 (3/1144294 in the non-Finnish European population (PM2_Supporting). In summary, this variant meets the criteria to be classified as Likely Pathogenic for autosomal recessive Glanzmann Thrombasthenia based on the ACMG/AMP criteria applied, as specified by the ClinGen PD VCEP: PVS1_Moderate, PP4_Moderate, PM3_Supporting, PM2_Supporting.